The following is an entry in ClinVar:

NM_004959.5(NR5A1):c.727C>T (p.Arg243Cys)

Gene: NR5A1 (nuclear receptor subfamily 5 group A member 1; minus strand). Cytogenetic location: 9q33.3.
Variant type: single nucleotide variant.
Coding change: c.727C>T on transcript NM_004959.5 (MANE Select); coding-DNA position 727, C replaced by T.
Protein change: p.Arg243Cys; replaces arginine 243 with cysteine.
Molecular consequence: missense variant.
Genome position (GRCh38, 1-based): chr9:124,500,233, G>A on the plus strand (C>T on the coding strand, the complement: NR5A1 is on the minus strand). VCF-style: chr9-124500233-G-A. GRCh37 (hg19) VCF-style: chr9-127262512-G-A.
Other names: c.727C>T (NM_004959.4); short protein forms R243C.
Identifiers: ClinVar variation 2921839 (VCV002921839.4), dbSNP rs752292248, ClinGen allele CA5235410.

ClinVar aggregate classification (germline): Uncertain significance. Review status: criteria provided, multiple submitters, no conflicts (2 of 4 stars). 2 submissions from 2 submitters: Uncertain significance (2). Last evaluated 2023-06-21.

Conditions:
Oligosynaptic infertility (SPGF1). Also called: SPERMATOGENIC FAILURE 1; OLIGOCHIASMATIC INFERTILITY. Identifiers: MedGen C0403810, MONDO:0009776, OMIM 258150.
46 XY differences of sex development. Also called: 46, XY disorder of sex development (DSD); 46,XY disorder of sex development. Identifiers: Orphanet 98085, MedGen C2751824, MONDO:0020040.
Inborn genetic diseases. Identifiers: MedGen C0950123, MeSH D030342.

Allele frequency attached by ClinVar (database versions not stated): gnomAD 0.00004; ExAC 0.00001; TOPMed 0.00002.

Submissions (2):

Labcorp Genetics (formerly Invitae), Labcorp
Classification: Uncertain significance for 46 XY differences of sex development; Oligosynaptic infertility. Last evaluated: 2023-06-21. Review status: criteria provided, single submitter. Criteria: Invitae Variant Classification Sherloc (09022015). Collection method: clinical testing. Allele origin: germline.
Comment: This sequence change replaces arginine, which is basic and polar, with cysteine, which is neutral and slightly polar, at codon 243 of the NR5A1 protein (p.Arg243Cys). The frequency data for this variant in the population databases is considered unreliable, as metrics indicate poor data quality at this position in the gnomAD database. This variant has not been reported in the literature in individuals affected with NR5A1-related conditions. Advanced modeling of protein sequence and biophysical properties (such as structural, functional, and spatial information, amino acid conservation, physicochemical variation, residue mobility, and thermodynamic stability) has been performed at Invitae for this missense variant, however the output from this modeling did not meet the statistical confidence thresholds required to predict the impact of this variant on NR5A1 protein function. In summary, the available evidence is currently insufficient to determine the role of this variant in disease. Therefore, it has been classified as a Variant of Uncertain Significance.

Ambry Genetics
Classification: Uncertain significance for Inborn genetic diseases. Last evaluated: 2022-09-19. Review status: criteria provided, single submitter. Criteria: Ambry Variant Classification Scheme 2023. Collection method: clinical testing. Allele origin: germline.